The following is an entry in ClinVar:

ClinVar aggregate classification (germline): Benign/Likely benign. Review status: criteria provided, multiple submitters, no conflicts (2 of 4 stars). 2 submissions from 2 submitters: Benign (1); Likely benign (1). Last evaluated 2026-08-06.

Conditions:
KL-related disorder. Also called: KL-related condition.

Allele frequency attached by ClinVar (database versions not stated): gnomAD exomes 0.00015 and 0.00034; ExAC 0.00039; TOPMed 0.00097; gnomAD 0.00098 and 0.00099; ESP Exome Variant Server 0.00115; 1000 Genomes Project 30x 0.00156; 1000 Genomes Project 0.00160.
gnomAD v4.1: 382 of 1,611,812 alleles (0.024%); highest among the groups gnomAD compares: African/African-American, 0.29%; 1 homozygote.

Submissions (2):

PreventionGenetics, part of Exact Sciences
Classification: Likely benign for KL-related condition. Last evaluated: 2026-08-06. Review status: criteria provided, single submitter. Criteria: ACMG Guidelines, 2015. Collection method: clinical testing. Allele origin: germline.
Comment: This variant is classified as likely benign based on ACMG/AMP sequence variant interpretation guidelines (Richards et al. 2015 PMID: 25741868, with internal and published modifications).

Labcorp Genetics (formerly Invitae), Labcorp
Classification: Benign. Last evaluated: 2026-01-19. Review status: criteria provided, single submitter. Criteria: Invitae Variant Classification Sherloc (09022015). Collection method: clinical testing. Allele origin: germline.

NM_004795.4(KL):c.1965C>T (p.Gly655=)

Gene: KL (klotho; plus strand). Cytogenetic location: 13q13.1.
Variant type: single nucleotide variant.
Coding change: c.1965C>T on transcript NM_004795.4 (MANE Select); coding-DNA position 1965, C replaced by T.
Protein change: p.Gly655=; no amino-acid change (glycine 655 retained).
Molecular consequence: synonymous variant.
Genome position (GRCh38, 1-based): chr13:33,061,044, C>T. VCF-style: chr13-33061044-C-T. GRCh37 (hg19) VCF-style: chr13-33635181-C-T.
Other names: c.1965C>T (NM_004795.3).
Identifiers: ClinVar variation 1634267 (VCV001634267.9), dbSNP rs144345203, ClinGen allele CA6944215.